The following is an entry in ClinVar:

NM_198253.3(TERT):c.273C>T (p.Arg91=)

Gene: TERT (telomerase reverse transcriptase; minus strand). Cytogenetic location: 5p15.33.
Variant type: single nucleotide variant.
Coding change: c.273C>T on transcript NM_198253.3 (MANE Select); coding-DNA position 273, C replaced by T.
Protein change: p.Arg91=; no amino-acid change (arginine 91 retained).
Molecular consequence: synonymous variant. On other transcripts: non-coding transcript variant (2).
Genome position (GRCh38, 1-based): chr5:1,294,613, G>A on the plus strand (C>T on the coding strand, the complement: TERT is on the minus strand). VCF-style: chr5-1294613-G-A. GRCh37 (hg19) VCF-style: chr5-1294728-G-A.
Other names: c.273C>T, p.Arg91= (NM_001193376.3).
Identifiers: ClinVar variation 1158461 (VCV001158461.11), dbSNP rs2126690718, ClinGen allele CA443239899.

ClinVar aggregate classification (germline): Likely benign. Review status: criteria provided, multiple submitters, no conflicts (2 of 4 stars). 2 submissions from 2 submitters: Likely benign (2). Last evaluated 2026-06-01.

Conditions:
Dyskeratosis congenita, autosomal dominant 2. Identifiers: MedGen C3151443, MONDO:0013521, OMIM 613989.
Idiopathic Pulmonary Fibrosis. Also called: Idiopathic fibrosing alveolitis, chronic form; idiopathic fibrosing alveolitis. Identifiers: Orphanet 2032, MedGen C1800706, MeSH D054990, MONDO:0800504.

Allele frequency attached by ClinVar (database versions not stated): gnomAD exomes below 0.00001.
gnomAD v4.1: 1 of 1,595,682 alleles (0.000063%); highest among the groups gnomAD compares: East Asian, 0.0022%; no homozygotes.

Submissions (2):

CeGaT Center for Human Genetics Tuebingen
Classification: Likely benign. Last evaluated: 2026-06-01. Review status: criteria provided, single submitter. Criteria: CeGaT Center For Human Genetics Tuebingen Variant Classification Criteria Version 2. Collection method: clinical testing. Allele origin: germline. Affected: yes. Observed: 1 variant allele.
Comment: TERT: BP4, BP7

Labcorp Genetics (formerly Invitae), Labcorp
Classification: Likely benign for Dyskeratosis congenita, autosomal dominant 2; Idiopathic Pulmonary Fibrosis. Last evaluated: 2020-10-18. Review status: criteria provided, single submitter. Criteria: Invitae Variant Classification Sherloc (09022015). Collection method: clinical testing. Allele origin: germline.